The following is an entry in ClinVar:

ClinVar aggregate classification (germline): Uncertain significance. Review status: criteria provided, multiple submitters, no conflicts (2 of 4 stars). 2 submissions from 2 submitters: Uncertain significance (2). Last evaluated 2025-02-21.

Conditions:
Intellectual developmental disorder, autosomal dominant 44, with microcephaly. Also called: Micrognathia-recurrent infections-behavioral abnormalities-mild intellectual disability syndrome; TRIO-Related Intellectual Disability. Identifiers: Orphanet 476126, MedGen C4310740, MONDO:0014892, OMIM 617061.

Allele frequency attached by ClinVar (database versions not stated): gnomAD exomes below 0.00001.
gnomAD v4.1: 6 of 1,584,000 alleles (0.00038%); highest among the groups gnomAD compares: Non-Finnish European, 0.00051%; no homozygotes.

Submissions (2):

Women's Health and Genetics/Laboratory Corporation of America, LabCorp
Classification: Uncertain significance. Last evaluated: 2025-02-21. Review status: criteria provided, single submitter. Criteria: LabCorp Variant Classification Summary - May 2015. Collection method: clinical testing. Allele origin: germline.
Comment: Variant summary: TRIO c.5239C>T (p.Pro1747Ser) results in a non-conservative amino acid change in the encoded protein sequence. Three of five in-silico tools predict a damaging effect of the variant on protein function. The frequency data for this variant in gnomAD is considered unreliable, as metrics indicate poor data quality at this position. To our knowledge, no occurrence of c.5239C>T in individuals affected with TRIO-Related Intellectual Disability and no experimental evidence demonstrating its impact on protein function have been reported. ClinVar contains an entry for this variant (Variation ID: 976087). Based on the evidence outlined above, the variant was classified as uncertain significance.

Institute of Human Genetics, University of Leipzig Medical Center
Classification: Uncertain significance for Intellectual developmental disorder, autosomal dominant 44, with microcephaly. Last evaluated: 2018-03-01. Review status: criteria provided, single submitter. Criteria: ACMG Guidelines, 2015. Collection method: clinical testing. Allele origin: germline. Affected: yes. Observed: 1 variant allele.

NM_007118.4(TRIO):c.5239C>T (p.Pro1747Ser)

Gene: TRIO (trio Rho guanine nucleotide exchange factor; plus strand). Cytogenetic location: 5p15.2.
Variant type: single nucleotide variant.
Coding change: c.5239C>T on transcript NM_007118.4 (MANE Select); coding-DNA position 5239, C replaced by T.
Protein change: p.Pro1747Ser; replaces proline 1747 with serine.
Molecular consequence: missense variant. On other transcripts: non-coding transcript variant (1).
Genome position (GRCh38, 1-based): chr5:14,461,054, C>T. VCF-style: chr5-14461054-C-T. GRCh37 (hg19) VCF-style: chr5-14461163-C-T.
Other names: short protein forms P1747S.
Identifiers: ClinVar variation 976087 (VCV000976087.2), dbSNP rs1053063993, ClinGen allele CA359226376.
Genomic context (GRCh38, chr5:14,461,054, plus strand): 5'-TACTCCCTCTCTTTCTCCCTGGCAGACTCGCTCTCCGTCTCCAGCAATGACGCCAGTCCA[C>T]CCGCATCCGTGGCTTCCCTCCAGCCCCACATGATCGGGGCCCAGAGCTCGCCGGGCCCCA-3'
Protein context (NP_009049.2, residues 1737-1757): LSVSSNDASP[Pro1747Ser]ASVASLQPHM